The following is an entry in ClinVar:

ClinVar aggregate classification (germline): Uncertain significance (1 of 4 stars; one submission).

Submission:

Labcorp Genetics (formerly Invitae), Labcorp
Classification: Uncertain significance. Last evaluated: 2023-11-22. Review status: criteria provided, single submitter. Criteria: Invitae Variant Classification Sherloc (09022015). Collection method: clinical testing. Allele origin: germline.
Comment: This variant, c.82_84del, results in the deletion of 1 amino acid(s) of the GJB2 protein (p.Leu28del), but otherwise preserves the integrity of the reading frame. This variant is not present in population databases (gnomAD no frequency). This variant has been observed in individual(s) with clinical features of autosomal dominant GJB2-related conditions (Invitae). Experimental studies and prediction algorithms are not available or were not evaluated, and the functional significance of this variant is currently unknown. This variant disrupts a region of the GJB2 protein in which other variant(s) (p.Leu28Ile, p.Leu28Val) have been observed in individuals with both autosomal dominant syndromic and autosomal recessive non-syndromic GJB2-related conditions (PMID: 23073770, Invitae). This suggests that this is a clinically significant region of the protein, and that variants that disrupt it are likely to be disease-causing. In summary, the available evidence is currently insufficient to determine the role of this variant in disease. Therefore, it has been classified as a Variant of Uncertain Significance.

Literature cited by the submitters: PubMed 23073770.

NM_004004.6(GJB2):c.82_84del (p.Leu28del)

Gene: GJB2 (gap junction protein beta 2; minus strand). Cytogenetic location: 13q12.11.
Variant type: Deletion.
Coding change: c.82_84del on transcript NM_004004.6 (MANE Select); coding-DNA positions 82 to 84, 3 bases deleted (CTC; older notation c.82_84delCTC).
Protein change: p.Leu28del; deletes leucine 28.
Molecular consequence: inframe deletion.
Genome position (GRCh38, 1-based): chr13:20,189,498-20,189,500, GAG deleted on the plus strand (CTC on the coding strand, the reverse complement: GJB2 is on the minus strand); deleting any 3 consecutive bases within chr13:20,189,498-20,189,502 gives the same sequence; the c. name uses the placement nearest the transcript's 3' end. VCF-style (leftmost placement, unchanged base first): chr13-20189497-AGAG-A. GRCh37 (hg19) VCF-style: chr13-20763636-AGAG-A.
Other names: short protein forms L28del.
Identifiers: ClinVar variation 2696302 (VCV002696302.3), dbSNP rs2500253136, ClinGen allele CA2697551668.